The following is an entry in ClinVar:

ClinVar aggregate classification (germline): Uncertain significance (1 of 4 stars; one submission).

Conditions:
Hereditary cancer-predisposing syndrome. Also called: Neoplastic Syndromes, Hereditary; Tumor predisposition; Hereditary neoplastic syndrome; Hereditary Cancer Syndrome. Identifiers: Orphanet 140162, MedGen C0027672, MeSH D009386, MONDO:0015356.
Cardiovascular phenotype. Identifiers: MedGen CN230736.

Submission:

Ambry Genetics
Classification: Uncertain significance for Cardiovascular phenotype; Hereditary cancer-predisposing syndrome. Last evaluated: 2023-08-12. Review status: criteria provided, single submitter. Criteria: Ambry Variant Classification Scheme 2023. Collection method: clinical testing. Allele origin: germline.
Comment: The c.4270-7T>A intronic variant results from a T to A substitution 7 nucleotides upstream from coding exon 32 in the NF1 gene. This nucleotide position is well conserved in available vertebrate species. In silico splice site analysis predicts that this alteration will result in the creation or strengthening of a novel splice acceptor site; however, direct evidence is insufficient at this time (Ambry internal data). Since supporting evidence is limited at this time, the clinical significance of this alteration remains unclear.

NM_001042492.3(NF1):c.4333-7T>A

Gene: NF1 (neurofibromin 1; plus strand). Cytogenetic location: 17q11.2.
Variant type: single nucleotide variant.
Coding change: c.4333-7T>A on transcript NM_001042492.3 (MANE Select); 7 bases into the intron before coding-DNA position 4333, T replaced by A.
Molecular consequence: intron variant.
Genome position (GRCh38, 1-based): chr17:31,259,025, T>A. VCF-style: chr17-31259025-T-A. GRCh37 (hg19) VCF-style: chr17-29586043-T-A.
Other names: c.4270-7T>A (NM_000267.4).
Identifiers: ClinVar variation 3237778 (VCV003237778.1), dbSNP rs2151462921.
Genomic context (GRCh38, chr17:31,259,025, plus strand): 5'-ATGTCTTAATGTATAGACTTCATACAATAAATAATCTGATTATTTATAACCCTGTTTTAT[T>A]GTGTAGATACTTCAGAGTATTGCCAATCATGTTCTCTTCACAAAAGAAGAACATATGCGG-3'